The following is an entry in ClinVar:

NM_173598.6(KSR2):c.2406G>A (p.Thr802=)

Gene: KSR2 (kinase suppressor of ras 2; minus strand). Cytogenetic location: 12q24.22.
Variant type: single nucleotide variant.
Coding change: c.2406G>A on transcript NM_173598.6 (MANE Select); coding-DNA position 2406, G replaced by A.
Protein change: p.Thr802=; no amino-acid change (threonine 802 retained).
Molecular consequence: synonymous variant.
Genome position (GRCh38, 1-based): chr12:117,484,460, C>T on the plus strand (G>A on the coding strand, the complement: KSR2 is on the minus strand). VCF-style: chr12-117484460-C-T. GRCh37 (hg19) VCF-style: chr12-117922265-C-T.
Identifiers: ClinVar variation 3356306 (VCV003356306.1).
Genomic context (GRCh38, chr12:117,484,460, plus strand): 5'-TCCCACTGCCTCTCACCTGCCAGCCTGCAGCACCCCAGAAATGCTGAAGAGTCCAAAGTC[C>T]GTGATGACCACTTTGCCGTTGTCATAGAAGACGTTCTTTGACTTGAGGTCCTTGTGTAGG-3'
Protein context (NP_775869.4, residues 792-812): VFYDNGKVVI[Thr802=]DFGLFSISGV

ClinVar aggregate classification (germline): Likely benign (0 of 4 stars; one submission).

Conditions:
KSR2-related disorder. Also called: KSR2-related condition.

gnomAD v4.1: 48 of 1,613,986 alleles (0.003%); highest among the groups gnomAD compares: East Asian, 0.0089%; no homozygotes.

Submission:

PreventionGenetics, part of Exact Sciences
Classification: Likely benign for KSR2-related condition. Last evaluated: 2022-05-31. Review status: no assertion criteria provided. Collection method: clinical testing. Allele origin: germline.
Comment: This variant is classified as likely benign based on ACMG/AMP sequence variant interpretation guidelines (Richards et al. 2015 PMID: 25741868, with internal and published modifications).